The following is an entry in ClinVar:

NM_000477.7(ALB):c.1434C>T (p.Ser478=)

Gene: ALB (albumin; plus strand). Cytogenetic location: 4q13.3.
Variant type: single nucleotide variant.
Coding change: c.1434C>T on transcript NM_000477.7 (MANE Select); coding-DNA position 1434, C replaced by T.
Protein change: p.Ser478=; no amino-acid change (serine 478 retained).
Molecular consequence: synonymous variant.
Genome position (GRCh38, 1-based): chr4:73,418,093, C>T. VCF-style: chr4-73418093-C-T. GRCh37 (hg19) VCF-style: chr4-74283810-C-T.
Identifiers: ClinVar variation 349632 (VCV000349632.33), dbSNP rs139400924, ClinGen allele CA2959665.

ClinVar aggregate classification (germline): Likely benign. Review status: criteria provided, multiple submitters, no conflicts (2 of 4 stars). 3 submissions from 3 submitters: Likely benign (3). Last evaluated 2024-12-31.

Conditions:
Hyperthyroxinemia, familial dysalbuminemic (FDAH). Also called: EUTHYROID HYPERTHYROXINEMIA 1. Identifiers: MedGen C0342185, MONDO:0014448, OMIM 615999.

Allele frequency attached by ClinVar (database versions not stated): TOPMed 0.00017; gnomAD exomes 0.00023 and 0.00030; gnomAD 0.00024; ExAC 0.00030; ESP Exome Variant Server 0.00031.

Submissions (3):

Labcorp Genetics (formerly Invitae), Labcorp
Classification: Likely benign. Last evaluated: 2024-12-31. Review status: criteria provided, single submitter. Criteria: Invitae Variant Classification Sherloc (09022015). Collection method: clinical testing. Allele origin: germline.

CeGaT Center for Human Genetics Tuebingen
Classification: Likely benign. Last evaluated: 2022-11-01. Review status: criteria provided, single submitter. Criteria: CeGaT Center For Human Genetics Tuebingen Variant Classification Criteria Version 2. Collection method: clinical testing. Allele origin: germline. Affected: yes. Observed: 1 variant allele.
Comment: ALB: BP4, BP7

Illumina Laboratory Services, Illumina
Classification: Likely benign for Hyperthyroxinemia, familial dysalbuminemic. Last evaluated: 2018-01-13. Review status: criteria provided, single submitter. Criteria: ICSL Variant Classification Criteria 13 December 2019. Collection method: clinical testing. Allele origin: germline.
Comment: This variant was observed in the ICSL laboratory as part of a predisposition screen in an ostensibly healthy population. It had not been previously curated by ICSL or reported in the Human Gene Mutation Database (HGMD: prior to June 1st, 2018), and was therefore a candidate for classification through an automated scoring system. Utilizing variant allele frequency, disease prevalence and penetrance estimates, and inheritance mode, an automated score was calculated to assess if this variant is too frequent to cause the disease. Based on the score and internal cut-off values, a variant classified as likely benign is not then subjected to further curation. The score for this variant resulted in a classification of likely benign for this disease.